The following is an entry in ClinVar:

NM_001330078.2(NRXN1):c.772+1119C>T

Gene: NRXN1 (neurexin 1; minus strand). Cytogenetic location: 2p16.3.
Variant type: single nucleotide variant.
Coding change: c.772+1119C>T on transcript NM_001330078.2 (MANE Select); 1119 bases into the intron after coding-DNA position 772, C replaced by T.
Molecular consequence: intron variant. On other transcripts: missense variant (1).
Genome position (GRCh38, 1-based): chr2:51,026,383, G>A on the plus strand (C>T on the coding strand, the complement: NRXN1 is on the minus strand). VCF-style: chr2-51026383-G-A. GRCh37 (hg19) VCF-style: chr2-51253521-G-A.
Other names: c.859C>T, p.Pro287Ser (NM_001135659.3); c.772+1119C>T (NM_001330096.2, NM_001330087.2, NM_001330083.2 and 14 more transcripts); short protein forms P287S.
Identifiers: ClinVar variation 2056038 (VCV002056038.4), dbSNP rs200923167, ClinGen allele CA1655381.

ClinVar aggregate classification (germline): Uncertain significance (1 of 4 stars; one submission).

Conditions:
Pitt-Hopkins-like syndrome 2 (PTHSL2). Identifiers: Orphanet 221150, Orphanet 600663, MedGen C3280479, MONDO:0013690, OMIM 614325.

Allele frequency attached by ClinVar (database versions not stated): gnomAD 0.00001; gnomAD exomes 0.00001; TOPMed 0.00001; ExAC 0.00002.
gnomAD v4.1: 10 of 1,590,894 alleles (0.00063%); highest among the groups gnomAD compares: Non-Finnish European, 0.00077%; no homozygotes.

Submission:

Labcorp Genetics (formerly Invitae), Labcorp
Classification: Uncertain significance for Pitt-Hopkins-like syndrome 2. Last evaluated: 2025-08-21. Review status: criteria provided, single submitter. Criteria: Invitae Variant Classification Sherloc (09022015). Collection method: clinical testing. Allele origin: germline.
Comment: This sequence change replaces proline, which is neutral and non-polar, with serine, which is neutral and polar, at codon 287 of the NRXN1 protein (p.Pro287Ser). The frequency data for this variant in the population databases is considered unreliable, as metrics indicate poor data quality at this position in the gnomAD database. This variant has not been reported in the literature in individuals affected with NRXN1-related conditions. ClinVar contains an entry for this variant (Variation ID: 2056038). An algorithm developed to predict the effect of missense changes on protein structure and function (PolyPhen-2) suggests that this variant is likely to be tolerated. In summary, the available evidence is currently insufficient to determine the role of this variant in disease. Therefore, it has been classified as a Variant of Uncertain Significance.